The following is an entry in ClinVar:

NM_001261826.3(AP3D1):c.2808G>C (p.Lys936Asn)

Gene: AP3D1 (adaptor related protein complex 3 subunit delta 1; minus strand). Cytogenetic location: 19p13.3.
Variant type: single nucleotide variant.
Coding change: c.2808G>C on transcript NM_001261826.3 (MANE Select); coding-DNA position 2808, G replaced by C.
Protein change: p.Lys936Asn; replaces lysine 936 with asparagine.
Molecular consequence: missense variant.
Genome position (GRCh38, 1-based): chr19:2,111,808, C>G on the plus strand (G>C on the coding strand, the complement: AP3D1 is on the minus strand). VCF-style: chr19-2111808-C-G. GRCh37 (hg19) VCF-style: chr19-2111807-C-G.
Other names: c.2772G>C, p.Lys924Asn (NM_001374799.1); c.2622G>C, p.Lys874Asn (NM_003938.8); short protein forms K874N, K924N, K936N.
Identifiers: ClinVar variation 1991402 (VCV001991402.4), dbSNP rs925756556, ClinGen allele CA304151062.

ClinVar aggregate classification (germline): Uncertain significance (1 of 4 stars; one submission).

Allele frequency attached by ClinVar (database versions not stated): TOPMed 0.00003.
gnomAD v4.1: 4 of 1,613,958 alleles (0.00025%); highest among the groups gnomAD compares: Admixed American, 0.0067%; no homozygotes.

Submission:

Labcorp Genetics (formerly Invitae), Labcorp
Classification: Uncertain significance. Last evaluated: 2022-09-19. Review status: criteria provided, single submitter. Criteria: Invitae Variant Classification Sherloc (09022015). Collection method: clinical testing. Allele origin: germline.
Comment: This sequence change replaces lysine, which is basic and polar, with asparagine, which is neutral and polar, at codon 936 of the AP3D1 protein (p.Lys936Asn). This variant is present in population databases (no rsID available, gnomAD 0.01%). This variant has not been reported in the literature in individuals affected with AP3D1-related conditions. Algorithms developed to predict the effect of missense changes on protein structure and function are either unavailable or do not agree on the potential impact of this missense change (SIFT: "Deleterious"; PolyPhen-2: "Benign"; Align-GVGD: "Class C0"). In summary, the available evidence is currently insufficient to determine the role of this variant in disease. Therefore, it has been classified as a Variant of Uncertain Significance.